The following is an entry in ClinVar:

ClinVar aggregate classification (germline): Likely benign. Review status: criteria provided, multiple submitters, no conflicts (2 of 4 stars). 6 submissions from 6 submitters: Likely benign (5). 1 of the submissions does not count toward it. Last evaluated 2025-10-06.

Conditions:
MYH7-related disorder. Also called: MYH7-related condition; MYH7-related disease; MYH7-related disorders.
Cardiomyopathy (CMYO). Also called: Cardiomyopathies. Identifiers: Orphanet 167848, MedGen C0878544, MONDO:0004994, HP:0001638. Inheritance: Various modes of inheritance.
Hypertrophic cardiomyopathy. Also called: HYPERTROPHIC MYOCARDIOPATHY. Identifiers: Orphanet 217569, MedGen C0007194, MeSH D002312, MONDO:0005045, HP:0001639.

Allele frequency attached by ClinVar (database versions not stated): ExAC 0.00001; gnomAD 0.00001 and 0.00002; gnomAD exomes 0.00001; TOPMed 0.00001; ESP Exome Variant Server 0.00008.
gnomAD v4.1: 22 of 1,614,068 alleles (0.0014%); highest among the groups gnomAD compares: Admixed American, 0.0033%; no homozygotes.

Submissions (6):

Labcorp Genetics (formerly Invitae), Labcorp
Classification: Likely benign for Hypertrophic cardiomyopathy. Last evaluated: 2025-10-06. Review status: criteria provided, single submitter. Criteria: Invitae Variant Classification Sherloc (09022015). Collection method: clinical testing. Allele origin: germline.

All of Us Research Program, National Institutes of Health
Classification: Likely benign for Cardiomyopathy. Last evaluated: 2023-11-02. Review status: criteria provided, single submitter. Criteria: ACMG Guidelines, 2015. Collection method: clinical testing. Allele origin: germline. Inheritance: Autosomal dominant inheritance. Observed: 3 variant alleles, 3 heterozygotes.
Comment: This study involves interpretation of variants in research participants for the purpose of population health screening. Participant phenotype was not available at the time of variant classification. Additional details can be found in publication PMID: 35346344, PMCID: PMC8962531

Blueprint Genetics
Classification: Likely benign. Last evaluated: 2023-08-24. Review status: criteria provided, single submitter. Criteria: ACMG Guidelines, 2015. Collection method: clinical testing. Allele origin: germline.

Color Diagnostics, LLC DBA Color Health
Classification: Likely benign for Cardiomyopathy. Last evaluated: 2018-11-08. Review status: criteria provided, single submitter. Criteria: ACMG Guidelines, 2015. Collection method: clinical testing. Allele origin: germline.

Laboratory for Molecular Medicine, Mass General Brigham Personalized Medicine
Classification: Likely benign. Last evaluated: 2018-02-20. Review status: criteria provided, single submitter. Criteria: LMM Criteria. Collection method: clinical testing. Allele origin: germline. Observed: 1 variant allele.
Comment: p.Ile1673Ile in exon 35 of MYH7: This variant is not expected to have clinical s ignificance because it does not alter an amino acid residue and is not located w ithin the splice consensus sequence. It has been identified in 3/277160 chromoso mes by the Genome Aggregation Database (gnomAD ; dbSNP rs139518691). ACMG/AMP Criteria applied: BP4, BP7.

PreventionGenetics, part of Exact Sciences
Classification: Likely benign for MYH7-related condition. Last evaluated: 2020-09-30. Review status: no assertion criteria provided. Collection method: clinical testing. Allele origin: germline. Not counted in ClinVar's aggregate classification.
Comment: This variant is classified as likely benign based on ACMG/AMP sequence variant interpretation guidelines (Richards et al. 2015 PMID: 25741868, with internal and published modifications).

NM_000257.4(MYH7):c.5019C>T (p.Ile1673=)

Genes: MHRT (myosin heavy chain associated RNA transcript; plus strand), MYH7 (myosin heavy chain 7; minus strand), LOC126861897 (BRD4-independent group 4 enhancer GRCh37_chr14:23884455-23885654; plus strand). Cytogenetic location: 14q11.2.
Variant type: single nucleotide variant.
Coding change: c.5019C>T on transcript NM_000257.4 (MANE Select); coding-DNA position 5019, C replaced by T.
Protein change: p.Ile1673=; no amino-acid change (isoleucine 1673 retained).
Molecular consequence: synonymous variant. On other transcripts: non-coding transcript variant (1).
Genome position (GRCh38, 1-based): chr14:23,415,767, G>A on the plus strand (C>T on the coding strand, the complement: MYH7 is on the minus strand). VCF-style: chr14-23415767-G-A. GRCh37 (hg19) VCF-style: chr14-23884976-G-A.
Identifiers: ClinVar variation 227598 (VCV000227598.20), dbSNP rs139518691, ClinGen allele CA044845.